The following is an entry in ClinVar:

NM_004268.5(MED17):c.1584+2T>A

Gene: MED17 (mediator complex subunit 17; plus strand). Cytogenetic location: 11q21.
Variant type: single nucleotide variant.
Coding change: c.1584+2T>A on transcript NM_004268.5 (MANE Select); the canonical splice donor site of the intron after coding-DNA position 1584, T replaced by A.
Molecular consequence: splice donor variant.
Genome position (GRCh38, 1-based): chr11:93,807,637, T>A. VCF-style: chr11-93807637-T-A. GRCh37 (hg19) VCF-style: chr11-93540803-T-A.
Identifiers: ClinVar variation 1066237 (VCV001066237.7), dbSNP rs2135721573, ClinGen allele CA382361082.

ClinVar aggregate classification (germline): Likely pathogenic (1 of 4 stars; one submission).

Submission:

Labcorp Genetics (formerly Invitae), Labcorp
Classification: Likely pathogenic. Last evaluated: 2022-04-09. Review status: criteria provided, single submitter. Criteria: Invitae Variant Classification Sherloc (09022015). Collection method: clinical testing. Allele origin: germline.
Comment: This variant is not present in population databases (gnomAD no frequency). This variant has not been reported in the literature in individuals affected with MED17-related conditions. ClinVar contains an entry for this variant (Variation ID: 1066237). Algorithms developed to predict the effect of sequence changes on RNA splicing suggest that this variant may disrupt the consensus splice site. In summary, the currently available evidence indicates that the variant is pathogenic, but additional data are needed to prove that conclusively. Therefore, this variant has been classified as Likely Pathogenic. This sequence change affects a donor splice site in intron 10 of the MED17 gene. It is expected to disrupt RNA splicing. Variants that disrupt the donor or acceptor splice site typically lead to a loss of protein function (PMID: 16199547), and loss-of-function variants in MED17 are known to be pathogenic (PMID: 20950787, 26004231, 30345598).

Literature cited by the submitters: PubMed 16199547; PubMed 20950787; PubMed 26004231; PubMed 30345598.